The following is an entry in ClinVar:

NM_000540.3(RYR1):c.4454+5C>A

Gene: RYR1 (ryanodine receptor 1; plus strand). Cytogenetic location: 19q13.2.
Variant type: single nucleotide variant.
Coding change: c.4454+5C>A on transcript NM_000540.3 (MANE Select); 5 bases into the intron after coding-DNA position 4454, C replaced by A.
Molecular consequence: intron variant.
Genome position (GRCh38, 1-based): chr19:38,477,875, C>A. VCF-style: chr19-38477875-C-A. GRCh37 (hg19) VCF-style: chr19-38968515-C-A.
Other names: c.4454+5C>A (NM_001042723.2).
Identifiers: ClinVar variation 4751756 (VCV004751756.1).

ClinVar aggregate classification (germline): Uncertain significance (1 of 4 stars; one submission).

Conditions:
RYR1-related disorder. Also called: RYR1-related condition; RYR1-related disorders. Identifiers: MedGen CN239331.

Submission:

Labcorp Genetics (formerly Invitae), Labcorp
Classification: Uncertain significance for RYR1-related disorder. Last evaluated: 2025-07-15. Review status: criteria provided, single submitter. Criteria: Invitae Variant Classification Sherloc (09022015). Collection method: clinical testing. Allele origin: germline.
Comment: This sequence change falls in intron 30 of the RYR1 gene. It does not directly change the encoded amino acid sequence of the RYR1 protein. It affects a nucleotide within the consensus splice site. This variant is present in population databases (no rsID available, gnomAD 0.002%). This variant has not been reported in the literature in individuals affected with RYR1-related conditions. Variants that disrupt the consensus splice site are a relatively common cause of aberrant splicing (PMID: 17576681, 9536098). Algorithms developed to predict the effect of sequence changes on RNA splicing suggest that this variant is not likely to affect RNA splicing. In summary, the available evidence is currently insufficient to determine the role of this variant in disease. Therefore, it has been classified as a Variant of Uncertain Significance.

Literature cited by the submitters: PubMed 17576681; PubMed 9536098.